The following is an entry in ClinVar:

NM_001854.4(COL11A1):c.1629+137dup

Gene: COL11A1 (collagen type XI alpha 1 chain; minus strand). Cytogenetic location: 1p21.1.
Variant type: Duplication.
Coding change: c.1629+137dup on transcript NM_001854.4 (MANE Select); 137 bases into the intron after coding-DNA position 1629, one base duplicated (A; older notation c.1629+137dupA).
Molecular consequence: intron variant.
Genome position (GRCh38, 1-based): chr1:103,012,270, T duplicated on the plus strand (A on the coding strand, the reverse complement: COL11A1 is on the minus strand); the first of 7 consecutive T bases (chr1:103,012,270-103,012,276); duplicating any one gives the same sequence. VCF-style (leftmost placement, unchanged base first): chr1-103012269-A-AT. GRCh37 (hg19) VCF-style: chr1-103477825-A-AT.
Other names: c.1512+137dup (NM_001190709.2); c.1665+137dup (NM_080629.3); c.1281+137dup (NM_080630.4).
Identifiers: ClinVar variation 677914 (VCV000677914.1), dbSNP rs35117641, ClinGen allele CA27737873.

ClinVar aggregate classification (germline): Benign (1 of 4 stars; one submission).

Submission:

GeneDx
Classification: Benign. Last evaluated: 2018-06-14. Review status: criteria provided, single submitter. Criteria: GeneDx Variant Classification (06012015). Collection method: clinical testing. Allele origin: germline. Affected: yes.
Comment: This variant is considered likely benign or benign based on one or more of the following criteria: it is a conservative change, it occurs at a poorly conserved position in the protein, it is predicted to be benign by multiple in silico algorithms, and/or has population frequency not consistent with disease.